The following is an entry in ClinVar:

ClinVar aggregate classification (germline): Pathogenic (1 of 4 stars; one submission).

Conditions:
Short-rib thoracic dysplasia 10 with or without polydactyly (SRTD10). Identifiers: Orphanet 474, MedGen C3810175, MONDO:0014284, OMIM 615630.
Retinitis pigmentosa 71 (RP71). Identifiers: Orphanet 791, MedGen C4225342, MONDO:0014618, OMIM 616394.

Submission:

Labcorp Genetics (formerly Invitae), Labcorp
Classification: Pathogenic for Retinitis pigmentosa 71; Short-rib thoracic dysplasia 10 with or without polydactyly. Last evaluated: 2024-11-25. Review status: criteria provided, single submitter. Criteria: Invitae Variant Classification Sherloc (09022015). Collection method: clinical testing. Allele origin: germline.
Comment: This sequence change creates a premature translational stop signal (p.Ile568*) in the IFT172 gene. It is expected to result in an absent or disrupted protein product. Loss-of-function variants in IFT172 are known to be pathogenic (PMID: 24140113). This variant is not present in population databases (gnomAD no frequency). This variant has not been reported in the literature in individuals affected with IFT172-related conditions. For these reasons, this variant has been classified as Pathogenic.

Literature cited by the submitters: PubMed 24140113.

NM_015662.3(IFT172):c.1701del (p.Val567_Ile568insTer)

Gene: IFT172 (intraflagellar transport 172; minus strand). Cytogenetic location: 2p23.3.
Variant type: Deletion.
Coding change: c.1701del on transcript NM_015662.3 (MANE Select); coding-DNA position 1701, one base deleted (T; older notation c.1701delT).
Protein change: p.Val567_Ile568insTer.
Molecular consequence: frameshift variant.
Genome position (GRCh38, 1-based): chr2:27,465,874, A deleted on the plus strand (T on the coding strand, the reverse complement: IFT172 is on the minus strand); the first of 2 consecutive A bases (chr2:27,465,874-27,465,875); deleting either gives the same sequence. VCF-style (leftmost placement, unchanged base first): chr2-27465873-TA-T. GRCh37 (hg19) VCF-style: chr2-27688740-TA-T.
Other names: c.1635del, p.Val545_Ile546insTer (NM_001410739.1).
Identifiers: ClinVar variation 3753747 (VCV003753747.2).